The following is an entry in ClinVar:

ClinVar aggregate classification (germline): Uncertain significance (1 of 4 stars; one submission).

Allele frequency attached by ClinVar (database versions not stated): gnomAD exomes below 0.00001; ExAC 0.00002; TOPMed 0.00002; gnomAD 0.00003; ESP Exome Variant Server 0.00008.
gnomAD v4.1: 9 of 1,612,668 alleles (0.00056%); highest among the groups gnomAD compares: African/African-American, 0.011%; no homozygotes.

Submission:

Labcorp Genetics (formerly Invitae), Labcorp
Classification: Uncertain significance. Last evaluated: 2023-09-08. Review status: criteria provided, single submitter. Criteria: Invitae Variant Classification Sherloc (09022015). Collection method: clinical testing. Allele origin: germline.
Comment: In summary, the available evidence is currently insufficient to determine the role of this variant in disease. Therefore, it has been classified as a Variant of Uncertain Significance. Algorithms developed to predict the effect of sequence changes on RNA splicing suggest that this variant may create or strengthen a splice site. This variant has not been reported in the literature in individuals affected with CETP-related conditions. This variant is present in population databases (rs373235102, gnomAD 0.01%). This sequence change affects codon 77 of the CETP mRNA. It is a 'silent' change, meaning that it does not change the encoded amino acid sequence of the CETP protein.

NM_000078.3(CETP):c.231C>T (p.His77=)

Gene: CETP (cholesteryl ester transfer protein; plus strand). Cytogenetic location: 16q13.
Variant type: single nucleotide variant.
Coding change: c.231C>T on transcript NM_000078.3 (MANE Select); coding-DNA position 231, C replaced by T.
Protein change: p.His77=; no amino-acid change (histidine 77 retained).
Molecular consequence: synonymous variant.
Genome position (GRCh38, 1-based): chr16:56,963,122, C>T. VCF-style: chr16-56963122-C-T. GRCh37 (hg19) VCF-style: chr16-56997034-C-T.
Other names: c.231C>T, p.His77= (NM_001286085.2).
Identifiers: ClinVar variation 2985887 (VCV002985887.3), dbSNP rs373235102, ClinGen allele CA8070827.
Genomic context (GRCh38, chr16:56,963,122, plus strand): 5'-CCCAGATATCACGGGCGAGAAGGCCATGATGCTCCTTGGCCAAGTCAAGTATGGGTTGCA[C>T]AAGTGAGTCGGGCCTCGGGTGTGACCAGGCTGGGGGTAGGGAGGCGGGAGGAACAGCCTG-3'
Protein context (NP_000069.2, residues 67-87): MLLGQVKYGL[His77=]NIQISHLSIA